The following is an entry in ClinVar:

ClinVar aggregate classification (germline): Pathogenic (1 of 4 stars; one submission).

Conditions:
Peroxisome biogenesis disorder. Identifiers: Orphanet 79189, MedGen C1832200, MONDO:0019234. Disease mechanism: loss of function.

gnomAD v4.1: 22 of 1,614,154 alleles (0.0014%); highest among the groups gnomAD compares: Non-Finnish European, 0.0019%; no homozygotes.

Submission:

Labcorp Genetics (formerly Invitae), Labcorp
Classification: Pathogenic for Peroxisome biogenesis disorder. Last evaluated: 2020-06-24. Review status: criteria provided, single submitter. Criteria: Invitae Variant Classification Sherloc (09022015). Collection method: clinical testing. Allele origin: germline.
Comment: This sequence change creates a premature translational stop signal (p.Gln236*) in the PEX6 gene. It is expected to result in an absent or disrupted protein product. This variant is not present in population databases (ExAC no frequency). This variant has not been reported in the literature in individuals with PEX6-related conditions. Loss-of-function variants in PEX6 are known to be pathogenic (PMID: 8670792, 19877282, 21031596). For these reasons, this variant has been classified as Pathogenic.

Literature cited by the submitters: PubMed 8670792; PubMed 19877282; PubMed 21031596.

NM_000287.4(PEX6):c.706C>T (p.Gln236Ter)

Gene: PEX6 (peroxisomal biogenesis factor 6; minus strand). Cytogenetic location: 6p21.1.
Variant type: single nucleotide variant.
Coding change: c.706C>T on transcript NM_000287.4 (MANE Select); coding-DNA position 706, C replaced by T.
Protein change: p.Gln236Ter; replaces glutamine 236 with a stop codon.
Molecular consequence: nonsense. On other transcripts: non-coding transcript variant (1), intron variant (1).
Genome position (GRCh38, 1-based): chr6:42,978,445, G>A on the plus strand (C>T on the coding strand, the complement: PEX6 is on the minus strand). VCF-style: chr6-42978445-G-A. GRCh37 (hg19) VCF-style: chr6-42946183-G-A.
Other names: c.618+88C>T (NM_001316313.2); short protein forms Q236*.
Identifiers: ClinVar variation 1075322 (VCV001075322.7), dbSNP rs779526175, ClinGen allele CA138237763.